The following is an entry in ClinVar:

NM_005068.3(SIM1):c.582C>T (p.Tyr194=)

Gene: SIM1 (SIM bHLH transcription factor 1; minus strand). Cytogenetic location: 6q16.3.
Variant type: single nucleotide variant.
Coding change: c.582C>T on transcript NM_005068.3 (MANE Select); coding-DNA position 582, C replaced by T.
Protein change: p.Tyr194=; no amino-acid change (tyrosine 194 retained).
Molecular consequence: synonymous variant.
Genome position (GRCh38, 1-based): chr6:100,448,640, G>A on the plus strand (C>T on the coding strand, the complement: SIM1 is on the minus strand). VCF-style: chr6-100448640-G-A. GRCh37 (hg19) VCF-style: chr6-100896516-G-A.
Other names: c.582C>T, p.Tyr194= (NM_001374769.1).
Identifiers: ClinVar variation 3354391 (VCV003354391.2).

ClinVar aggregate classification (germline): Likely benign. Review status: criteria provided, single submitter (1 of 4 stars). 2 submissions from 2 submitters: Likely benign (1). 1 of the submissions does not count toward it. Last evaluated 2025-04-18.

Conditions:
SIM1-related disorder. Also called: SIM1-related condition; SIM1-related disorders.

gnomAD v4.1: 2 of 1,613,304 alleles (0.00012%); highest among the groups gnomAD compares: Admixed American, 0.0017%; no homozygotes.

Submissions (2):

Labcorp Genetics (formerly Invitae), Labcorp
Classification: Likely benign. Last evaluated: 2025-04-18. Review status: criteria provided, single submitter. Criteria: Invitae Variant Classification Sherloc (09022015). Collection method: clinical testing. Allele origin: germline.

PreventionGenetics, part of Exact Sciences
Classification: Likely benign for SIM1-related condition. Last evaluated: 2024-06-18. Review status: no assertion criteria provided. Collection method: clinical testing. Allele origin: germline. Not counted in ClinVar's aggregate classification.
Comment: This variant is classified as likely benign based on ACMG/AMP sequence variant interpretation guidelines (Richards et al. 2015 PMID: 25741868, with internal and published modifications).